The following is an entry in ClinVar:

NM_006302.3(MOGS):c.1892C>T (p.Ala631Val)

Gene: MOGS (mannosyl-oligosaccharide glucosidase; minus strand). Cytogenetic location: 2p13.1.
Variant type: single nucleotide variant.
Coding change: c.1892C>T on transcript NM_006302.3 (MANE Select); coding-DNA position 1892, C replaced by T.
Protein change: p.Ala631Val; replaces alanine 631 with valine.
Molecular consequence: missense variant.
Genome position (GRCh38, 1-based): chr2:74,461,897, G>A on the plus strand (C>T on the coding strand, the complement: MOGS is on the minus strand). VCF-style: chr2-74461897-G-A. GRCh37 (hg19) VCF-style: chr2-74689024-G-A.
Other names: c.1892C>T, p.Ala631Val (LRG_1226t1); c.1574C>T, p.Ala525Val (NM_001146158.2); short protein forms A525V, A631V.
Identifiers: ClinVar variation 653254 (VCV000653254.9), dbSNP rs752324076, ClinGen allele CA1724702.

ClinVar aggregate classification (germline): Uncertain significance. Review status: criteria provided, multiple submitters, no conflicts (2 of 4 stars). 2 submissions from 2 submitters: Uncertain significance (2). Last evaluated 2024-10-28.

Conditions:
MOGS-congenital disorder of glycosylation. Also called: GLUCOSIDASE I DEFICIENCY; CDG IIb; CDG 2B; MOGS-CDG. Identifiers: Orphanet 79330, MedGen C1853736, MONDO:0011629, OMIM 606056.

Allele frequency attached by ClinVar (database versions not stated): ExAC 0.00001; gnomAD 0.00001; gnomAD exomes 0.00002; TOPMed 0.00002.
gnomAD v4.1: 11 of 1,613,990 alleles (0.00068%); highest among the groups gnomAD compares: Non-Finnish European, 0.00093%; no homozygotes.

Submissions (2):

Blueprint Genetics
Classification: Uncertain significance. Last evaluated: 2024-10-28. Review status: criteria provided, single submitter. Criteria: ACMG Guidelines, 2015. Collection method: clinical testing. Allele origin: germline.

Labcorp Genetics (formerly Invitae), Labcorp
Classification: Uncertain significance for MOGS-congenital disorder of glycosylation. Last evaluated: 2021-08-20. Review status: criteria provided, single submitter. Criteria: Invitae Variant Classification Sherloc (09022015). Collection method: clinical testing. Allele origin: germline.
Comment: This sequence change replaces alanine with valine at codon 631 of the MOGS protein (p.Ala631Val). The alanine residue is moderately conserved and there is a small physicochemical difference between alanine and valine. This variant is present in population databases (rs752324076, ExAC 0.002%). This variant has not been reported in the literature in individuals affected with MOGS-related conditions. Algorithms developed to predict the effect of missense changes on protein structure and function (SIFT, PolyPhen-2, Align-GVGD) all suggest that this variant is likely to be tolerated. In summary, the available evidence is currently insufficient to determine the role of this variant in disease. Therefore, it has been classified as a Variant of Uncertain Significance.